The following is an entry in ClinVar:

NM_016123.4(IRAK4):c.431G>C (p.Ser144Thr)

Gene: IRAK4 (interleukin 1 receptor associated kinase 4; plus strand). Cytogenetic location: 12q12.
Variant type: single nucleotide variant.
Coding change: c.431G>C on transcript NM_016123.4 (MANE Select); coding-DNA position 431, G replaced by C.
Protein change: p.Ser144Thr; replaces serine 144 with threonine.
Molecular consequence: missense variant. On other transcripts: 5 prime UTR variant (2).
Genome position (GRCh38, 1-based): chr12:43,772,303, G>C. VCF-style: chr12-43772303-G-C. GRCh37 (hg19) VCF-style: chr12-44166106-G-C.
Other names: c.431G>C, p.Ser144Thr (NM_001114182.3, NM_001351345.2); c.59G>C, p.Ser20Thr (NM_001145256.2, NM_001145257.2, NM_001145258.2 and 5 more transcripts); c.-93G>C (NM_001351343.2, NM_001351344.2); short protein forms S20T, S144T.
Identifiers: ClinVar variation 946871 (VCV000946871.10), dbSNP rs147079926, ClinGen allele CA6522361.

ClinVar aggregate classification (germline): Uncertain significance. Review status: criteria provided, multiple submitters, no conflicts (2 of 4 stars). 3 submissions from 3 submitters: Uncertain significance (3). Last evaluated 2024-04-23.

Conditions:
Inborn genetic diseases. Identifiers: MedGen C0950123, MeSH D030342.
Immunodeficiency 67. Also called: Immunodeficiency due to interleukin-1 receptor-associated kinase-4 deficiency. Identifiers: Orphanet 70592, MedGen C1843256, MONDO:0011888, OMIM 607676.

Allele frequency attached by ClinVar (database versions not stated): gnomAD exomes below 0.00001; ExAC 0.00001; gnomAD 0.00006; TOPMed 0.00006; 1000 Genomes Project 0.00020; 1000 Genomes Project 30x 0.00062.

Submissions (3):

Ambry Genetics
Classification: Uncertain significance for Inborn genetic diseases. Last evaluated: 2024-04-23. Review status: criteria provided, single submitter. Criteria: Ambry Variant Classification Scheme 2023. Collection method: clinical testing. Allele origin: germline.

Blueprint Genetics
Classification: Uncertain significance. Last evaluated: 2024-04-08. Review status: criteria provided, single submitter. Criteria: ACMG Guidelines, 2015. Collection method: clinical testing. Allele origin: germline.

Labcorp Genetics (formerly Invitae), Labcorp
Classification: Uncertain significance for Immunodeficiency 67. Last evaluated: 2023-12-31. Review status: criteria provided, single submitter. Criteria: Invitae Variant Classification Sherloc (09022015). Collection method: clinical testing. Allele origin: germline.
Comment: This sequence change replaces serine, which is neutral and polar, with threonine, which is neutral and polar, at codon 144 of the IRAK4 protein (p.Ser144Thr). This variant is present in population databases (rs147079926, gnomAD 0.03%). This variant has not been reported in the literature in individuals affected with IRAK4-related conditions. ClinVar contains an entry for this variant (Variation ID: 946871). Advanced modeling of protein sequence and biophysical properties (such as structural, functional, and spatial information, amino acid conservation, physicochemical variation, residue mobility, and thermodynamic stability) performed at Invitae indicates that this missense variant is not expected to disrupt IRAK4 protein function with a negative predictive value of 80%. In summary, the available evidence is currently insufficient to determine the role of this variant in disease. Therefore, it has been classified as a Variant of Uncertain Significance.